The following is an entry in ClinVar:

NM_020207.7(ERCC6L2):c.1343A>T (p.Tyr448Phe)

Gene: ERCC6L2 (ERCC excision repair 6 like 2; plus strand). Cytogenetic location: 9q22.32.
Variant type: single nucleotide variant.
Coding change: c.1343A>T on transcript NM_020207.7 (MANE Select); coding-DNA position 1343, A replaced by T.
Protein change: p.Tyr448Phe; replaces tyrosine 448 with phenylalanine.
Molecular consequence: missense variant. On other transcripts: non-coding transcript variant (1).
Genome position (GRCh38, 1-based): chr9:95,922,348, A>T. VCF-style: chr9-95922348-A-T. GRCh37 (hg19) VCF-style: chr9-98684630-A-T.
Other names: c.1343A>T, p.Tyr448Phe (NM_001010895.4, NM_001375291.1, NM_001375292.1 and 2 more transcripts); short protein forms Y448F.
Identifiers: ClinVar variation 3612148 (VCV003612148.3).

ClinVar aggregate classification (germline): Uncertain significance. Review status: criteria provided, multiple submitters, no conflicts (2 of 4 stars). 2 submissions from 2 submitters: Uncertain significance (2). Last evaluated 2025-03-22.

Conditions:
Inborn genetic diseases. Identifiers: MedGen C0950123, MeSH D030342.

gnomAD v4.1: 1 of 1,613,370 alleles (0.000062%); highest among the groups gnomAD compares: Non-Finnish European, 0.000085%; no homozygotes.

Submissions (2):

Ambry Genetics
Classification: Uncertain significance for Inborn genetic diseases. Last evaluated: 2025-03-22. Review status: criteria provided, single submitter. Criteria: Ambry Variant Classification Scheme 2023. Collection method: clinical testing. Allele origin: germline.
Comment: The p.Y448F variant (also known as c.1343A>T), located in coding exon 8 of the ERCC6L2 gene, results from an A to T substitution at nucleotide position 1343. The tyrosine at codon 448 is replaced by phenylalanine, an amino acid with highly similar properties. This amino acid position is conserved. In addition, the in silico prediction for this alteration is inconclusive. Based on the available evidence, the clinical significance of this variant remains unclear.

Labcorp Genetics (formerly Invitae), Labcorp
Classification: Uncertain significance. Last evaluated: 2024-05-09. Review status: criteria provided, single submitter. Criteria: Invitae Variant Classification Sherloc (09022015). Collection method: clinical testing. Allele origin: germline.
Comment: This sequence change replaces tyrosine, which is neutral and polar, with phenylalanine, which is neutral and non-polar, at codon 459 of the ERCC6L2 protein (p.Tyr459Phe). This variant is not present in population databases (gnomAD no frequency). This variant has not been reported in the literature in individuals affected with ERCC6L2-related conditions. Experimental studies and prediction algorithms are not available or were not evaluated, and the functional significance of this variant is currently unknown. In summary, the available evidence is currently insufficient to determine the role of this variant in disease. Therefore, it has been classified as a Variant of Uncertain Significance.